The following is an entry in ClinVar:

ClinVar aggregate classification (germline): Uncertain significance (1 of 4 stars; one submission).

Conditions:
Hereditary cancer-predisposing syndrome. Also called: Neoplastic Syndromes, Hereditary; Tumor predisposition; Hereditary Cancer Syndrome; Hereditary neoplastic syndrome. Identifiers: Orphanet 140162, MedGen C0027672, MeSH D009386, MONDO:0015356.

Submission:

Ambry Genetics
Classification: Uncertain significance for Hereditary cancer-predisposing syndrome. Last evaluated: 2021-07-13. Review status: criteria provided, single submitter. Criteria: Ambry Variant Classification Scheme 2023. Collection method: clinical testing. Allele origin: germline.
Comment: The p.L277V variant (also known as c.829T>G), located in coding exon 6 of the CHEK2 gene, results from a T to G substitution at nucleotide position 829. The leucine at codon 277 is replaced by valine, an amino acid with highly similar properties. This amino acid position is highly conserved in available vertebrate species. In addition, the in silico prediction for this alteration is inconclusive. Since supporting evidence is limited at this time, the clinical significance of this alteration remains unclear.

NM_007194.4(CHEK2):c.829T>G (p.Leu277Val)

Gene: CHEK2 (checkpoint kinase 2; minus strand). Cytogenetic location: 22q12.1.
Variant type: single nucleotide variant.
Coding change: c.829T>G on transcript NM_007194.4 (MANE Select); coding-DNA position 829, T replaced by G.
Protein change: p.Leu277Val; replaces leucine 277 with valine.
Molecular consequence: missense variant.
Genome position (GRCh38, 1-based): chr22:28,710,023, A>C on the plus strand (T>G on the coding strand, the complement: CHEK2 is on the minus strand). VCF-style: chr22-28710023-A-C. GRCh37 (hg19) VCF-style: chr22-29106011-A-C.
Other names: c.958T>G, p.Leu320Val (NM_001005735.3); c.166T>G, p.Leu56Val (NM_001257387.3); c.628T>G, p.Leu210Val (NM_001349956.3); c.829T>G, p.Leu277Val (NM_145862.3); short protein forms L277V, L56V, L210V, L320V.
Identifiers: ClinVar variation 1762813 (VCV001762813.2), dbSNP rs767199070, ClinGen allele CA411102353.